The following is an entry in ClinVar:

ClinVar aggregate classification (germline): Likely pathogenic (1 of 4 stars; one submission).

Conditions:
X-linked agammaglobulinemia (XLA). Also called: Bruton-type agammaglobulinemia; IMMUNODEFICIENCY 1; Bruton's agammaglobulinemia; Agammaglobulinemia, Bruton tyrosine kinase; Agammaglobulinemia, BTK; BTK-deficiency. Identifiers: Orphanet 229717, Orphanet 47, MedGen C0221026, MONDO:0010421, OMIM 300755.

Submission:

Women's Health and Genetics/Laboratory Corporation of America, LabCorp
Classification: Likely pathogenic for X-linked agammaglobulinemia. Last evaluated: 2017-06-21. Review status: criteria provided, single submitter. Criteria: LabCorp Variant Classification Summary - May 2015. Collection method: clinical testing. Allele origin: germline.
Comment: Variant summary: The BTK c.164C>A (p.Ser55X) variant results in a premature termination codon, predicted to cause a truncated or absent BTK protein due to nonsense mediated decay, which are commonly known mechanisms for disease. Truncations downstream of this position have been classified as pathogenic by our laboratory (e.g. c.982C>T, p.Gln328X; c.1455C>A, p.Tyr485X). One in silico tool predicts a damaging outcome for this variant. The variant of interest has not been found in a large, broad control population, ExAC in 87703 control chromosomes. The variant of interest has not, to our knowledge, been reported in affected individuals via publications and/or reputable databases/clinical diagnostic laboratories; nor evaluated for functional impact by in vivo/vitro studies. Taken together, this variant is classified as likely pathogenic.

NM_000061.3(BTK):c.164C>A (p.Ser55Ter)

Gene: BTK (Bruton tyrosine kinase; minus strand). Cytogenetic location: Xq22.1.
Variant type: single nucleotide variant.
Coding change: c.164C>A on transcript NM_000061.3 (MANE Select); coding-DNA position 164, C replaced by A.
Protein change: p.Ser55Ter; replaces serine 55 with a stop codon.
Molecular consequence: nonsense.
Genome position (GRCh38, 1-based): chrX:101,374,612, G>T on the plus strand (C>A on the coding strand, the complement: BTK is on the minus strand). VCF-style: chrX-101374612-G-T. GRCh37 (hg19) VCF-style: chrX-100629600-G-T.
Other names: c.266C>A, p.Ser89Ter (NM_001287344.2); c.164C>A, p.Ser55Ter (NM_001287345.2); short protein forms S55*, S89*.
Identifiers: ClinVar variation 495527 (VCV000495527.1), dbSNP rs1555980796, ClinGen allele CA413939060.